The following is an entry in ClinVar:

ClinVar aggregate classification (germline): Conflicting classifications of pathogenicity. Review status: criteria provided, conflicting classifications (1 of 4 stars). 2 submissions from 2 submitters: Uncertain significance (1); Likely benign (1). Last evaluated 2022-10-05.

Allele frequency attached by ClinVar (database versions not stated): gnomAD exomes 0.00007; ExAC 0.00013; gnomAD 0.00015 and 0.00018; TOPMed 0.00015.
gnomAD v4.1: 35 of 1,519,580 alleles (0.0023%); highest among the groups gnomAD compares: African/African-American, 0.049%; no homozygotes.

Submissions (2):

Labcorp Genetics (formerly Invitae), Labcorp
Classification: Uncertain significance. Last evaluated: 2022-10-05. Review status: criteria provided, single submitter. Criteria: Invitae Variant Classification Sherloc (09022015). Collection method: clinical testing. Allele origin: germline.
Comment: This sequence change replaces proline, which is neutral and non-polar, with alanine, which is neutral and non-polar, at codon 608 of the COL18A1 protein (p.Pro608Ala). This variant is present in population databases (rs757423924, gnomAD 0.06%). This variant has not been reported in the literature in individuals affected with COL18A1-related conditions. ClinVar contains an entry for this variant (Variation ID: 1515015). Experimental studies and prediction algorithms are not available or were not evaluated, and the functional significance of this variant is currently unknown. In summary, the available evidence is currently insufficient to determine the role of this variant in disease. Therefore, it has been classified as a Variant of Uncertain Significance.

Blueprint Genetics
Classification: Likely benign. Last evaluated: 2022-09-14. Review status: criteria provided, single submitter. Criteria: ACMG Guidelines, 2015. Collection method: clinical testing. Allele origin: germline.

NM_001379500.1(COL18A1):c.1822C>G (p.Pro608Ala)

Gene: COL18A1 (collagen type XVIII alpha 1 chain; plus strand). Cytogenetic location: 21q22.3.
Variant type: single nucleotide variant.
Coding change: c.1822C>G on transcript NM_001379500.1 (MANE Select); coding-DNA position 1822, C replaced by G.
Protein change: p.Pro608Ala; replaces proline 608 with alanine.
Molecular consequence: missense variant.
Genome position (GRCh38, 1-based): chr21:45,486,981, C>G. VCF-style: chr21-45486981-C-G. GRCh37 (hg19) VCF-style: chr21-46906895-C-G.
Other names: c.2362C>G, p.Pro788Ala (NM_030582.4); c.3067C>G, p.Pro1023Ala (NM_130444.3); short protein forms P1023A, P608A, P788A.
Identifiers: ClinVar variation 1515015 (VCV001515015.4), dbSNP rs757423924, ClinGen allele CA10066544.